The following is an entry in ClinVar:

NC_000016.9:g.(15797981_15802659)_(15892545_15917111)del

Genes: MYH11 (myosin heavy chain 11; minus strand), NDE1 (nudE neurodevelopment protein 1; plus strand). Cytogenetic location: 16p13.11.
Variant type: Deletion.
Identifiers: ClinVar variation 3366318 (VCV003366318.1).

ClinVar aggregate classification (germline): Likely pathogenic (1 of 4 stars; one submission).

Conditions:
Megacystis-microcolon-intestinal hypoperistalsis syndrome 2. Identifiers: MedGen C5543476, MONDO:0025708, OMIM 619351.

Submission:

Women's Health and Genetics/Laboratory Corporation of America, LabCorp
Classification: Likely pathogenic for Megacystis-microcolon-intestinal hypoperistalsis syndrome 2. Last evaluated: 2024-08-30. Review status: criteria provided, single submitter. Criteria: LabCorp Variant Classification Summary - May 2015. Collection method: clinical testing. Allele origin: germline.
Comment: Variant summary: The variant involves the deletion of exons 4-42 in the MYH11 gene. A presumed nomenclature of c.(502+1_503-1)_(*8+1_*9-1)del has been designated for the purposes of this classification. This Copy Number Variant (CNV) is expected to alter the reading frame and predicted to result in a truncation or absence of the encoded protein due to nonsense mediated decay (NMD). The variant was absent in 21694 control chromosomes. To our knowledge, no occurrence of c.(502+1_503-1)_(*8+1_*9-1)del in individuals affected with MYH11-related disorders and no experimental evidence demonstrating its impact on protein function have been reported. No submitters have cited clinical-significance assessments for this variant to ClinVar. Other loss-of-function variants have been reported in patients with megacystis-microcolon-intestinal hypoperistalsis syndrome (PMID: 25407000, 29575632). Based on the evidence outlined above, the variant was classified as likely pathogenic.